The following is an entry in ClinVar:

ClinVar aggregate classification (germline): Uncertain significance (1 of 4 stars; one submission).

Conditions:
Inborn genetic diseases. Identifiers: MedGen C0950123, MeSH D030342.

Allele frequency attached by ClinVar (database versions not stated): gnomAD exomes below 0.00001; gnomAD 0.00001; TOPMed 0.00001.
gnomAD v4.1: 12 of 1,613,434 alleles (0.00074%); highest among the groups gnomAD compares: East Asian, 0.0067%; no homozygotes.

Submission:

Ambry Genetics
Classification: Uncertain significance for Inborn genetic diseases. Last evaluated: 2023-11-03. Review status: criteria provided, single submitter. Criteria: Ambry Variant Classification Scheme 2023. Collection method: clinical testing. Allele origin: germline.
Comment: The c.1657+6C>T intronic alteration results from a C to T substitution 6 nucleotides after coding exon 12 in the ITGB4 gene. This variant was not reported in population-based cohorts in the Genome Aggregation Database (gnomAD). This amino acid position is well conserved in available vertebrate species. In silico splice site analysis predicts that this alteration will not have any significant effect on splicing. Based on insufficient or conflicting evidence, the clinical significance of this alteration remains unclear.

NM_000213.5(ITGB4):c.1657+6C>T

Gene: ITGB4 (integrin subunit beta 4; plus strand). Cytogenetic location: 17q25.1.
Variant type: single nucleotide variant.
Coding change: c.1657+6C>T on transcript NM_000213.5 (MANE Select); 6 bases into the intron after coding-DNA position 1657, C replaced by T.
Molecular consequence: intron variant.
Genome position (GRCh38, 1-based): chr17:75,733,698, C>T. VCF-style: chr17-75733698-C-T. GRCh37 (hg19) VCF-style: chr17-73729779-C-T.
Other names: c.1657+6C>T (NM_001005619.2, NM_001005731.3, NM_001438834.1 and 1 more transcripts).
Identifiers: ClinVar variation 3111449 (VCV003111449.1), dbSNP rs375483669, ClinGen allele CA294064327.